The following is an entry in ClinVar:

ClinVar aggregate classification (germline): Uncertain significance (1 of 4 stars; one submission).

Allele frequency attached by ClinVar (database versions not stated): gnomAD exomes below 0.00001.
gnomAD v4.1: 2 of 1,614,006 alleles (0.00012%); highest among the groups gnomAD compares: African/African-American, 0.0013%; no homozygotes.

Submission:

Labcorp Genetics (formerly Invitae), Labcorp
Classification: Uncertain significance. Last evaluated: 2022-03-13. Review status: criteria provided, single submitter. Criteria: Invitae Variant Classification Sherloc (09022015). Collection method: clinical testing. Allele origin: germline.
Comment: Algorithms developed to predict the effect of missense changes on protein structure and function (SIFT, PolyPhen-2, Align-GVGD) all suggest that this variant is likely to be tolerated. In summary, the available evidence is currently insufficient to determine the role of this variant in disease. Therefore, it has been classified as a Variant of Uncertain Significance. This variant has not been reported in the literature in individuals affected with RTTN-related conditions. This variant is not present in population databases (gnomAD no frequency). This sequence change replaces threonine, which is neutral and polar, with proline, which is neutral and non-polar, at codon 1758 of the RTTN protein (p.Thr1758Pro).

NM_173630.4(RTTN):c.5272A>C (p.Thr1758Pro)

Gene: RTTN (rotatin; minus strand). Cytogenetic location: 18q22.2.
Variant type: single nucleotide variant.
Coding change: c.5272A>C on transcript NM_173630.4 (MANE Select); coding-DNA position 5272, A replaced by C.
Protein change: p.Thr1758Pro; replaces threonine 1758 with proline.
Molecular consequence: missense variant.
Genome position (GRCh38, 1-based): chr18:70,051,462, T>G on the plus strand (A>C on the coding strand, the complement: RTTN is on the minus strand). VCF-style: chr18-70051462-T-G. GRCh37 (hg19) VCF-style: chr18-67718698-T-G.
Other names: c.2536A>C, p.Thr846Pro (NM_001318520.2); short protein forms T1758P, T846P.
Identifiers: ClinVar variation 1900808 (VCV001900808.5), dbSNP rs867448472, ClinGen allele CA301940539.
Genomic context (GRCh38, chr18:70,051,462, plus strand): 5'-TCTTCTTACCAATCGCCGCTGTCCAGTGCTTGGCCAGGGCCACGGTAACAAACGGGAGTG[T>G]GATGGCACCAGCTTTCCTCAGGAGCATGGCCAGAAGATTAAATAAATGTGTCCATGTGTG-3'
Protein context (NP_775901.3, residues 1748-1768): AMLLRKAGAI[Thr1758Pro]LPFVTVALAK